The following is an entry in ClinVar:

NM_003995.4(NPR2):c.2738dup (p.Met913fs)

Genes: NPR2 (natriuretic peptide receptor 2; plus strand), SPAG8 (sperm associated antigen 8; minus strand). Cytogenetic location: 9p13.3.
Variant type: Duplication.
Coding change: c.2738dup on transcript NM_003995.4 (MANE Select); coding-DNA position 2738, one base duplicated (T; older notation c.2738dupT).
Protein change: p.Met913fs; shifts the reading frame from methionine 913.
Molecular consequence: frameshift variant. On other transcripts: intron variant (2).
Genome position (GRCh38, 1-based): chr9:35,808,534, T duplicated. VCF-style (leftmost placement, unchanged base first): chr9-35808533-A-AT. GRCh37 (hg19) VCF-style: chr9-35808530-A-AT.
Other names: c.2747dup, p.Met916fs (NM_001378923.1); c.1201-228dup (NM_001366760.2); c.1373-228dup (NM_172312.2); short protein forms M913fs, M916fs.
Identifiers: ClinVar variation 2944318 (VCV002944318.3), dbSNP rs2491075513, ClinGen allele CA2740095469.
Genomic context (GRCh38, chr9:35,808,533, plus strand): 5'-AAATAGAGGTGACCTTTTAATCCCCCTCTCAATCAGGTGGAGACGATTGGGGATGCTTAC[A>AT]TGGTGGTATCTGGCCTCCCAGGCCGAAATGGTCAACGCCATGCACCAGAAATTGCTCGTA-3'

ClinVar aggregate classification (germline): Pathogenic (1 of 4 stars; one submission).

Conditions:
Acromesomelic dysplasia 1, Maroteaux type (AMD1). Also called: ST. HELENA DYSPLASIA; ACROMESOMELIC DYSPLASIA 1. Identifiers: Orphanet 40, MedGen C1864356, MONDO:0011275, OMIM 602875.
Tall stature-scoliosis-macrodactyly of the great toes syndrome. Also called: Epiphyseal chondrodysplasia, miura type. Identifiers: Orphanet 329191, MedGen C4014690, MONDO:0014401, OMIM 615923.

Submission:

Labcorp Genetics (formerly Invitae), Labcorp
Classification: Pathogenic for Tall stature-scoliosis-macrodactyly of the great toes syndrome; Acromesomelic dysplasia 1, Maroteaux type. Last evaluated: 2025-01-30. Review status: criteria provided, single submitter. Criteria: Invitae Variant Classification Sherloc (09022015). Collection method: clinical testing. Allele origin: germline.
Comment: This sequence change creates a premature translational stop signal (p.Met913Ilefs*40) in the NPR2 gene. It is expected to result in an absent or disrupted protein product. Loss-of-function variants in NPR2 are known to be pathogenic (PMID: 15146390, 15572448, 16384845). This variant is not present in population databases (gnomAD no frequency). This variant has not been reported in the literature in individuals affected with NPR2-related conditions. ClinVar contains an entry for this variant (Variation ID: 2944318). For these reasons, this variant has been classified as Pathogenic.

Literature cited by the submitters: PubMed 15146390; PubMed 15572448; PubMed 16384845.